The following is an entry in ClinVar:

ClinVar aggregate classification (germline): Uncertain significance (1 of 4 stars; one submission).

Allele frequency attached by ClinVar (database versions not stated): gnomAD exomes below 0.00001; ExAC 0.00001; gnomAD 0.00001; TOPMed 0.00001.
gnomAD v4.1: 4 of 1,613,296 alleles (0.00025%); highest among the groups gnomAD compares: Admixed American, 0.005%; no homozygotes.

Submission:

Labcorp Genetics (formerly Invitae), Labcorp
Classification: Uncertain significance. Last evaluated: 2022-06-17. Review status: criteria provided, single submitter. Criteria: Invitae Variant Classification Sherloc (09022015). Collection method: clinical testing. Allele origin: germline.
Comment: Algorithms developed to predict the effect of missense changes on protein structure and function output the following: SIFT: "Not Available"; PolyPhen-2: "Benign"; Align-GVGD: "Not Available". The cysteine amino acid residue is found in multiple mammalian species, which suggests that this missense change does not adversely affect protein function. In summary, the available evidence is currently insufficient to determine the role of this variant in disease. Therefore, it has been classified as a Variant of Uncertain Significance. This variant has not been reported in the literature in individuals affected with CEP250-related conditions. This variant is present in population databases (rs777235501, gnomAD 0.009%). This sequence change replaces arginine, which is basic and polar, with cysteine, which is neutral and slightly polar, at codon 700 of the CEP250 protein (p.Arg700Cys).

NM_007186.6(CEP250):c.2098C>T (p.Arg700Cys)

Genes: CEP250 (centrosomal protein 250; plus strand), CEP250-AS1 (CEP250 antisense RNA 1; minus strand). Cytogenetic location: 20q11.22.
Variant type: single nucleotide variant.
Coding change: c.2098C>T on transcript NM_007186.6 (MANE Select); coding-DNA position 2098, C replaced by T.
Protein change: p.Arg700Cys; replaces arginine 700 with cysteine.
Molecular consequence: missense variant.
Genome position (GRCh38, 1-based): chr20:35,479,234, C>T. VCF-style: chr20-35479234-C-T. GRCh37 (hg19) VCF-style: chr20-34067059-C-T.
Other names: c.202C>T, p.Arg68Cys (NM_001318219.1); short protein forms R68C, R700C.
Identifiers: ClinVar variation 2083651 (VCV002083651.2), dbSNP rs777235501, ClinGen allele CA9833104.